The following is an entry in ClinVar:

ClinVar aggregate classification (germline): Pathogenic (1 of 4 stars; one submission).

Conditions:
GLB1-related disorder. Also called: GLB1-related disorders. Identifiers: MedGen CN377807.

Submission:

Myriad Genetics, Inc.
Classification: Pathogenic for GLB1-related disorder. Last evaluated: 2023-10-12. Review status: criteria provided, single submitter. Criteria: Myriad Autosomal Dominant, Autosomal Recessive and X-Linked Classification Criteria (2023). Collection method: clinical testing. Allele origin: unknown.
Comment: NM_000404.2(GLB1):c.1222C>T(Q408*) is expected to be pathogenic in the context of GLB1-related disorders. This variant is predicted to lead to an abnormal or absent protein product due to the creation of a premature termination codon in GLB1, a gene where loss-of-function variants are known to be pathogenic. Please note: this variant was assessed in the context of healthy population screening.

NM_000404.4(GLB1):c.1222C>T (p.Gln408Ter)

Gene: GLB1 (galactosidase beta 1; minus strand). Cytogenetic location: 3p22.3.
Variant type: single nucleotide variant.
Coding change: c.1222C>T on transcript NM_000404.4 (MANE Select); coding-DNA position 1222, C replaced by T.
Protein change: p.Gln408Ter; replaces glutamine 408 with a stop codon.
Molecular consequence: nonsense.
Genome position (GRCh38, 1-based): chr3:33,021,577, G>A on the plus strand (C>T on the coding strand, the complement: GLB1 is on the minus strand). VCF-style: chr3-33021577-G-A. GRCh37 (hg19) VCF-style: chr3-33063069-G-A.
Other names: c.1132C>T, p.Gln378Ter (NM_001079811.3); c.829C>T, p.Gln277Ter (NM_001135602.3); c.1366C>T, p.Gln456Ter (NM_001317040.2); c.1222C>T, p.Gln408Ter (NM_001393580.1); short protein forms Q277*, Q378*, Q408*, Q456*.
Identifiers: ClinVar variation 5012381 (VCV005012381.1).